The following is an entry in ClinVar:

NM_000814.6(GABRB3):c.730G>A (p.Gly244Arg)

Gene: GABRB3 (gamma-aminobutyric acid type A receptor subunit beta3; minus strand). Cytogenetic location: 15q12.
Variant type: single nucleotide variant.
Coding change: c.730G>A on transcript NM_000814.6 (MANE Select); coding-DNA position 730, G replaced by A.
Protein change: p.Gly244Arg; replaces glycine 244 with arginine.
Molecular consequence: missense variant.
Genome position (GRCh38, 1-based): chr15:26,567,686, C>T on the plus strand (G>A on the coding strand, the complement: GABRB3 is on the minus strand). VCF-style: chr15-26567686-C-T. GRCh37 (hg19) VCF-style: chr15-26812833-C-T.
Other names: c.475G>A, p.Gly159Arg (NM_001191320.2, NM_001278631.2); c.517G>A, p.Gly173Arg (NM_001191321.3); c.730G>A, p.Gly244Arg (NM_021912.5); short protein forms G159R, G173R, G244R.
Identifiers: ClinVar variation 3376132 (VCV003376132.3).

ClinVar aggregate classification (germline): Likely pathogenic (1 of 4 stars; one submission).

Conditions:
Developmental and epileptic encephalopathy, 43 (DEE43). Also called: Epileptic encephalopathy, early infantile, 43. Identifiers: MedGen C4310712, MONDO:0014921, OMIM 617113.

Submission:

Institute of Human Genetics, University of Leipzig Medical Center
Classification: Likely pathogenic for Developmental and epileptic encephalopathy, 43. Last evaluated: 2024-10-10. Review status: criteria provided, single submitter. Criteria: ACMG Guidelines, 2015. Collection method: clinical testing. Allele origin: unknown. Inheritance: Autosomal dominant inheritance. Affected: yes.
Comment: Criteria applied: PM1,PM2,PP2,PP3